The following is an entry in ClinVar:

ClinVar aggregate classification (germline): Uncertain significance. Review status: criteria provided, multiple submitters, no conflicts (2 of 4 stars). 2 submissions from 2 submitters: Uncertain significance (2). Last evaluated 2025-03-01.

Conditions:
Hereditary cancer-predisposing syndrome. Also called: Neoplastic Syndromes, Hereditary; Hereditary neoplastic syndrome; Tumor predisposition; Hereditary Cancer Syndrome. Identifiers: Orphanet 140162, MedGen C0027672, MeSH D009386, MONDO:0015356.
Melanoma, cutaneous malignant, susceptibility to, 8. Also called: Cutaneous malignant melanoma 8; MELANOMA AND RENAL CELL CARCINOMA, SUSCEPTIBILITY TO. Identifiers: Orphanet 293822, MedGen C3152204, MONDO:0013759, OMIM 614456.
Tietz syndrome (TADS). Also called: ALBINISM-DEAFNESS OF TIETZ; HYPOPIGMENTATION/DEAFNESS OF TIETZ; TIETZ ALBINISM-DEAFNESS SYNDROME. Identifiers: Orphanet 42665, MedGen C0391816, MONDO:0007077, OMIM 103500.
Waardenburg syndrome type 2A (WS2A). Also called: WAARDENBURG SYNDROME WITHOUT DYSTOPIA CANTHORUM. Identifiers: Orphanet 3440, MedGen C1860339, MONDO:0008671, OMIM 193510.

Allele frequency attached by ClinVar (database versions not stated): TOPMed 0.00001; ExAC 0.00002; gnomAD 0.00003; ESP Exome Variant Server 0.00008.
gnomAD v4.1: 12 of 1,613,880 alleles (0.00074%); highest among the groups gnomAD compares: African/African-American, 0.0027%; no homozygotes.

Submissions (3):

Ambry Genetics
Classification: Uncertain significance for Hereditary cancer-predisposing syndrome. Last evaluated: 2025-03-01. Review status: criteria provided, single submitter. Criteria: Ambry Variant Classification Scheme 2023. Collection method: clinical testing. Allele origin: germline.
Comment: The p.G387S variant (also known as c.1159G>A), located in coding exon 9 of the MITF gene, results from a G to A substitution at nucleotide position 1159. The glycine at codon 387 is replaced by serine, an amino acid with similar properties. This amino acid position is conserved. In addition, this alteration is predicted to be tolerated by in silico analysis. Based on the available evidence, the clinical significance of this variant remains unclear.

Labcorp Genetics (formerly Invitae), Labcorp
Classification: Uncertain significance for Melanoma, cutaneous malignant, susceptibility to, 8; Waardenburg syndrome type 2A; Tietz syndrome. Last evaluated: 2025-02-28. Review status: criteria provided, single submitter. Criteria: Invitae Variant Classification Sherloc (09022015). Collection method: clinical testing. Allele origin: germline.
Comment: This sequence change replaces glycine, which is neutral and non-polar, with serine, which is neutral and polar, at codon 387 of the MITF protein (p.Gly387Ser). This variant is present in population databases (rs142372494, gnomAD 0.008%). This variant has not been reported in the literature in individuals affected with MITF-related conditions. ClinVar contains an entry for this variant (Variation ID: 2930024). Invitae Evidence Modeling of protein sequence and biophysical properties (such as structural, functional, and spatial information, amino acid conservation, physicochemical variation, residue mobility, and thermodynamic stability) indicates that this missense variant is not expected to disrupt MITF protein function with a negative predictive value of 80%. In summary, the available evidence is currently insufficient to determine the role of this variant in disease. Therefore, it has been classified as a Variant of Uncertain Significance.

Dr. Peter K. Rogan Lab, Western University
No classification provided (evidence only). Condition: Ovarian serous cystadenocarcinoma. Review status: no classification provided. Collection method: in vitro. Allele origin: not applicable. Functional consequence: retained intron. Not counted in ClinVar's aggregate classification.

NM_001354604.2(MITF):c.1480G>A (p.Gly494Ser)

Gene: MITF (melanocyte inducing transcription factor; plus strand). Cytogenetic location: 3p13.
Variant type: single nucleotide variant.
Coding change: c.1480G>A on transcript NM_001354604.2 (MANE Select); coding-DNA position 1480, G replaced by A.
Protein change: p.Gly494Ser; replaces glycine 494 with serine.
Molecular consequence: missense variant.
Genome position (GRCh38, 1-based): chr3:69,965,147, G>A. VCF-style: chr3-69965147-G-A. GRCh37 (hg19) VCF-style: chr3-70014298-G-A.
Other names: c.1159G>A, p.Gly387Ser (NM_000248.4); c.1306G>A, p.Gly436Ser (NM_001184967.2, NM_001354608.2); c.1477G>A, p.Gly493Ser (NM_001354605.2); c.1459G>A, p.Gly487Ser (NM_001354606.2, NM_006722.3); c.1411G>A, p.Gly471Ser (NM_001354607.2); c.1141G>A, p.Gly381Ser (NM_198158.3); c.1462G>A, p.Gly488Ser (NM_198159.3); c.1414G>A, p.Gly472Ser (NM_198177.3); and 1 more; short protein forms G387S, G436S, G471S, G493S, G494S, G488S, G381S, G472S.
Identifiers: ClinVar variation 2930024 (VCV002930024.5), dbSNP rs142372494, ClinGen allele CA2490683.